The following is an entry in ClinVar:

NM_030803.7(ATG16L1):c.656G>A (p.Arg219Gln)

Gene: ATG16L1 (autophagy related 16 like 1; plus strand). Cytogenetic location: 2q37.1.
Variant type: single nucleotide variant.
Coding change: c.656G>A on transcript NM_030803.7 (MANE Select); coding-DNA position 656, G replaced by A.
Protein change: p.Arg219Gln; replaces arginine 219 with glutamine.
Molecular consequence: missense variant.
Genome position (GRCh38, 1-based): chr2:233,270,016, G>A. VCF-style: chr2-233270016-G-A. GRCh37 (hg19) VCF-style: chr2-234178662-G-A.
Other names: c.404G>A, p.Arg135Gln (NM_001190266.2); c.308G>A, p.Arg103Gln (NM_001190267.2); c.656G>A, p.Arg219Gln (NM_001363742.2, NM_017974.4); c.224G>A, p.Arg75Gln (NM_198890.3); short protein forms R103Q, R135Q, R219Q, R75Q.
Identifiers: ClinVar variation 3053014 (VCV003053014.2), dbSNP rs115732365, ClinGen allele CA2173576.

ClinVar aggregate classification (germline): Likely benign (0 of 4 stars; one submission).

Conditions:
ATG16L1-related disorder. Also called: ATG16L1-related condition.

Allele frequency attached by ClinVar (database versions not stated): 1000 Genomes Project 0.00140; 1000 Genomes Project 30x 0.00141; ESP Exome Variant Server 0.00192.
gnomAD v4.1: 474 of 1,575,136 alleles (0.03%); highest among the groups gnomAD compares: African/African-American, 0.49%; 2 homozygotes.

Submission:

PreventionGenetics, part of Exact Sciences
Classification: Likely benign for ATG16L1-related condition. Last evaluated: 2019-08-20. Review status: no assertion criteria provided. Collection method: clinical testing. Allele origin: germline.
Comment: This variant is classified as likely benign based on ACMG/AMP sequence variant interpretation guidelines (Richards et al. 2015 PMID: 25741868, with internal and published modifications).